The following is an entry in ClinVar:

NM_001039591.3(USP9X):c.1030C>G (p.Gln344Glu)

Gene: USP9X (ubiquitin specific peptidase 9 X-linked; plus strand). Cytogenetic location: Xp11.4.
Variant type: single nucleotide variant.
Coding change: c.1030C>G on transcript NM_001039591.3 (MANE Select); coding-DNA position 1030, C replaced by G.
Protein change: p.Gln344Glu; replaces glutamine 344 with glutamic acid.
Molecular consequence: missense variant.
Genome position (GRCh38, 1-based): chrX:41,141,300, C>G. VCF-style: chrX-41141300-C-G. GRCh37 (hg19) VCF-style: chrX-41000553-C-G.
Other names: c.1030C>G, p.Gln344Glu (NM_001039590.3, NM_001410748.1, NM_001410749.1 and 1 more transcripts); short protein forms Q344E.
Identifiers: ClinVar variation 5017450 (VCV005017450.1).

ClinVar aggregate classification (germline): Uncertain significance (1 of 4 stars; one submission).

Submission:

GeneDx
Classification: Uncertain significance. Last evaluated: 2026-03-28. Review status: criteria provided, single submitter. Criteria: GeneDx Variant Classification Process June 2021. Collection method: clinical testing. Allele origin: germline.
Comment: Not observed at significant frequency in large population cohorts (gnomAD); In silico analysis suggests that this missense variant does not alter protein structure/function; Has not been previously published as pathogenic or benign to our knowledge